The following is an entry in ClinVar:

NM_006904.7(PRKDC):c.6338_6340del (p.Gly2113del)

Gene: PRKDC (protein kinase, DNA-activated, catalytic subunit; minus strand). Cytogenetic location: 8q11.21.
Variant type: Deletion.
Coding change: c.6338_6340del on transcript NM_006904.7 (MANE Select); coding-DNA positions 6338 to 6340, 3 bases deleted (GAG; older notation c.6338_6340delGAG).
Protein change: p.Gly2113del; deletes glycine 2113.
Molecular consequence: inframe deletion.
Genome position (GRCh38, 1-based): chr8:47,858,854-47,858,856, CTC deleted on the plus strand (GAG on the coding strand, the reverse complement: PRKDC is on the minus strand); deleting any 3 consecutive bases within chr8:47,858,854-47,858,858 gives the same sequence; the c. name uses the placement nearest the transcript's 3' end. VCF-style (leftmost placement, unchanged base first): chr8-47858853-TCTC-T. GRCh37 (hg19) VCF-style: chr8-48771414-TCTC-T.
Other names: c.6338_6340delGAG (NM_006904.6); c.6338_6340del, p.Gly2113del (NM_001081640.2); short protein forms G2113del.
Identifiers: ClinVar variation 542029 (VCV000542029.25), dbSNP rs79703138, ClinGen allele CA4740383.
Genomic context (GRCh38, chr8:47,858,853, plus strand): 5'-CTCAGTATGACACCAATGAATATAGTATTAACAGGTAAGATGAGTGGGAAAAGCACCTCT[TCTC>T]CTTGAGGCGGGCCCAGGCTTCTGTGCATGTGCTTGACCAGGGCCGTCAGGGGCGCCATGC-3'

ClinVar aggregate classification (germline): Benign/Likely benign. Review status: criteria provided, multiple submitters, no conflicts (2 of 4 stars). 2 submissions from 2 submitters: Benign (1); Likely benign (1). Last evaluated 2026-08-01.

Conditions:
Severe combined immunodeficiency due to DNA-PKcs deficiency. Also called: Immunodeficiency 26 with or without neurologic abnormalities; IMMUNODEFICIENCY 26 WITH NEUROLOGIC ABNORMALITIES. Identifiers: Orphanet 317425, MedGen C4014833, MONDO:0014423, OMIM 615966.

Submissions (2):

CeGaT Center for Human Genetics Tuebingen
Classification: Likely benign. Last evaluated: 2026-08-01. Review status: criteria provided, single submitter. Criteria: CeGaT Center For Human Genetics Tuebingen Variant Classification Criteria Version 2. Collection method: clinical testing. Allele origin: germline. Affected: yes. Observed: 3 variant alleles.
Comment: PRKDC: PM4:Supporting, BS1

Labcorp Genetics (formerly Invitae), Labcorp
Classification: Benign for Severe combined immunodeficiency due to DNA-PKcs deficiency. Last evaluated: 2026-01-28. Review status: criteria provided, single submitter. Criteria: Invitae Variant Classification Sherloc (09022015). Collection method: clinical testing. Allele origin: germline.